The following is an entry in ClinVar:

ClinVar aggregate classification (germline): Uncertain significance (1 of 4 stars; one submission).

Submission:

Labcorp Genetics (formerly Invitae), Labcorp
Classification: Uncertain significance. Last evaluated: 2022-05-10. Review status: criteria provided, single submitter. Criteria: Invitae Variant Classification Sherloc (09022015). Collection method: clinical testing. Allele origin: germline.
Comment: This sequence change replaces arginine, which is basic and polar, with glutamine, which is neutral and polar, at codon 566 of the ADAMTS17 protein (p.Arg566Gln). The frequency data for this variant in the population databases is considered unreliable, as metrics indicate poor data quality at this position in the gnomAD database. This variant has not been reported in the literature in individuals affected with ADAMTS17-related conditions. Algorithms developed to predict the effect of missense changes on protein structure and function are either unavailable or do not agree on the potential impact of this missense change (SIFT: "Not Available"; PolyPhen-2: "Probably Damaging"; Align-GVGD: "Not Available"). In summary, the available evidence is currently insufficient to determine the role of this variant in disease. Therefore, it has been classified as a Variant of Uncertain Significance.

NM_139057.4(ADAMTS17):c.1696_1697delinsCA (p.Arg566Gln)

Genes: ADAMTS17 (ADAM metallopeptidase with thrombospondin type 1 motif 17; minus strand), LOC130058037 (ATAC-STARR-seq lymphoblastoid active region 10166; plus strand). Cytogenetic location: 15q26.3.
Variant type: Indel.
Coding change: c.1696_1697delinsCA on transcript NM_139057.4 (MANE Select); coding-DNA positions 1696 to 1697, AG replaced by CA.
Protein change: p.Arg566Gln; replaces arginine 566 with glutamine.
Molecular consequence: missense variant.
Genome position (GRCh38, 1-based): chr15:100,132,031-100,132,032, CT replaced by TG on the plus strand (AG replaced by CA on the coding strand, the reverse complement: ADAMTS17 is on the minus strand). VCF-style: chr15-100132031-CT-TG. GRCh37 (hg19) VCF-style: chr15-100672236-CT-TG.
Other names: short protein forms R566Q.
Identifiers: ClinVar variation 1917870 (VCV001917870.2), dbSNP rs2548391987, ClinGen allele CA2580089753.